The following is an entry in ClinVar:

ClinVar aggregate classification (germline): Pathogenic (1 of 4 stars; one submission).

Submission:

Labcorp Genetics (formerly Invitae), Labcorp
Classification: Pathogenic. Last evaluated: 2022-03-31. Review status: criteria provided, single submitter. Criteria: Invitae Variant Classification Sherloc (09022015). Collection method: clinical testing. Allele origin: germline.
Comment: This variant disrupts a region of the TMEM38B protein in which other variant(s) (deletion (exons 3-4)) have been determined to be pathogenic (PMID: 31218223; Invitae). This suggests that this is a clinically significant region of the protein, and that variants that disrupt it are likely to be disease-causing. For these reasons, this variant has been classified as Pathogenic. This variant has not been reported in the literature in individuals affected with TMEM38B-related conditions. This variant is a gross deletion of the genomic region encompassing exon(s) 2-6 of the TMEM38B gene, which includes the termination codon. This deletion extends beyond the assayed region for this gene and therefore may encompass additional genes. While this deletion is not anticipated to lead to nonsense mediated decay, it is expected to alter mRNA translation or result in a truncated protein product.

Literature cited by the submitters: PubMed 31218223.

NC_000009.11:g.(?_108467858)_(108536361_?)del

Gene: TMEM38B (transmembrane protein 38B; plus strand). Cytogenetic location: 9q31.2.
Variant type: Deletion.
Identifiers: ClinVar variation 2426438 (VCV002426438.4).